The following is an entry in ClinVar:

NM_000179.3(MSH6):c.458-8C>T

Gene: MSH6 (mutS homolog 6; plus strand). Cytogenetic location: 2p16.3.
Variant type: single nucleotide variant.
Coding change: c.458-8C>T on transcript NM_000179.3 (MANE Select); 8 bases into the intron before coding-DNA position 458, C replaced by T.
Molecular consequence: intron variant.
Genome position (GRCh38, 1-based): chr2:47,795,886, C>T. VCF-style: chr2-47795886-C-T. GRCh37 (hg19) VCF-style: chr2-48023025-C-T.
Other names: c.458-8C>T (NM_000179.2); c.-279-2725C>T (NM_001281493.2); c.238-2725C>T (NM_001281492.2); c.-445-8C>T (NM_001281494.2).
Identifiers: ClinVar variation 1158879 (VCV001158879.10), dbSNP rs372091232, ClinGen allele CA2496046363.

ClinVar aggregate classification (germline): Conflicting classifications of pathogenicity. Review status: criteria provided, conflicting classifications (1 of 4 stars). 2 submissions from 2 submitters: Uncertain significance (1); Likely benign (1). Last evaluated 2024-10-25.

Conditions:
Hereditary nonpolyposis colorectal neoplasms. Identifiers: MedGen C0009405, MeSH D003123.

Submissions (2):

Quest Diagnostics Nichols Institute San Juan Capistrano
Classification: Uncertain significance. Last evaluated: 2024-10-25. Review status: criteria provided, single submitter. Criteria: Quest Diagnostics criteria. Collection method: clinical testing. Allele origin: unknown.
Comment: The MSH6 c.458-8C>T variant has not been reported in individuals with MSH6-related conditions in the published literature. It also has not been reported in large, multi-ethnic general populations (Genome Aggregation Database). Analysis of this variant using software algorithms for the prediction of the effect of nucleotide changes on splicing yielded predictions that this variant does not affect MSH6 mRNA splicing. Based on the available information, we are unable to determine the clinical significance of this variant.

Labcorp Genetics (formerly Invitae), Labcorp
Classification: Likely benign for Hereditary nonpolyposis colorectal neoplasms. Last evaluated: 2023-12-22. Review status: criteria provided, single submitter. Criteria: Invitae Variant Classification Sherloc (09022015). Collection method: clinical testing. Allele origin: germline.